The following is an entry in ClinVar:

ClinVar aggregate classification (germline): Likely benign. Review status: criteria provided, multiple submitters, no conflicts (2 of 4 stars). 9 submissions from 9 submitters: Likely benign (7). 2 of the submissions do not count toward it. Last evaluated 2026-09-01.

Conditions:
DSD incomplete virilization.
LRP2-related disorder. Also called: LRP2-related condition.
Donnai-Barrow syndrome. Also called: FACIOOCULOACOUSTICORENAL SYNDROME; DBS/FOAR SYNDROME. Identifiers: Orphanet 2143, MedGen C1857277, MONDO:0009104, OMIM 222448.
Inborn genetic diseases. Identifiers: MedGen C0950123, MeSH D030342.

Allele frequency attached by ClinVar (database versions not stated): ESP Exome Variant Server 0.00038; gnomAD 0.00045 and 0.00067; TOPMed 0.00053; gnomAD exomes 0.00097 and 0.00148; ExAC 0.00152; 1000 Genomes Project 0.00220; 1000 Genomes Project 30x 0.00250.
gnomAD v4.1: 1,571 of 1,613,926 alleles (0.097%); highest among the groups gnomAD compares: Middle Eastern, 0.89%; 10 homozygotes.

Submissions (9):

CeGaT Center for Human Genetics Tuebingen
Classification: Likely benign. Last evaluated: 2026-09-01. Review status: criteria provided, single submitter. Criteria: CeGaT Center For Human Genetics Tuebingen Variant Classification Criteria Version 2. Collection method: clinical testing. Allele origin: germline. Affected: yes. Observed: 8 variant alleles.
Comment: LRP2: BP4, BS2

Labcorp Genetics (formerly Invitae), Labcorp
Classification: Likely benign. Last evaluated: 2026-01-28. Review status: criteria provided, single submitter. Criteria: Invitae Variant Classification Sherloc (09022015). Collection method: clinical testing. Allele origin: germline.

Blueprint Genetics
Classification: Likely benign. Last evaluated: 2024-11-26. Review status: criteria provided, single submitter. Criteria: ACMG Guidelines, 2015. Collection method: clinical testing. Allele origin: germline.

Ambry Genetics
Classification: Likely benign for Inborn genetic diseases. Last evaluated: 2021-09-16. Review status: criteria provided, single submitter. Criteria: Ambry Variant Classification Scheme 2023. Collection method: clinical testing. Allele origin: germline.

Department of Pathology and Laboratory Medicine, Sinai Health System
Classification: Likely benign for Donnai-Barrow syndrome. Last evaluated: 2021-07-30. Review status: criteria provided, single submitter. Criteria: ACMG Guidelines, 2015. Collection method: research. Allele origin: germline.

Illumina Laboratory Services, Illumina
Classification: Likely benign for Donnai-Barrow syndrome. Last evaluated: 2018-01-13. Review status: criteria provided, single submitter. Criteria: ICSL Variant Classification Criteria 13 December 2019. Collection method: clinical testing. Allele origin: germline.
Comment: This variant was observed in the ICSL laboratory as part of a predisposition screen in an ostensibly healthy population. It had not been previously curated by ICSL or reported in the Human Gene Mutation Database (HGMD: prior to June 1st, 2018), and was therefore a candidate for classification through an automated scoring system. Utilizing variant allele frequency, disease prevalence and penetrance estimates, and inheritance mode, an automated score was calculated to assess if this variant is too frequent to cause the disease. Based on the score and internal cut-off values, a variant classified as likely benign is not then subjected to further curation. The score for this variant resulted in a classification of likely benign for this disease.

Breakthrough Genomics
Classification: Likely benign. Review status: criteria provided, single submitter. Criteria: ACMG Guidelines, 2015. Collection method: not provided. Allele origin: germline. Inheritance: Autosomal recessive inheritance. Affected: yes.

Ulrich Schweizer laboratory, Universitaetsklinikum Bonn
Classification: Likely benign for DSD incomplete virilization. Last evaluated: 2021-09-01. Review status: no assertion criteria provided. Collection method: clinical testing. Allele origin: unknown. Affected: yes. Not counted in ClinVar's aggregate classification.

PreventionGenetics, part of Exact Sciences
Classification: Benign for LRP2-related condition. Last evaluated: 2019-06-03. Review status: no assertion criteria provided. Collection method: clinical testing. Allele origin: germline. Not counted in ClinVar's aggregate classification.
Comment: This variant is classified as benign based on ACMG/AMP sequence variant interpretation guidelines (Richards et al. 2015 PMID: 25741868, with internal and published modifications).

Literature cited by the submitters: PubMed 34979047 (cited by Ulrich Schweizer laboratory, Universitaetsklinikum Bonn).

NM_004525.3(LRP2):c.6256A>T (p.Thr2086Ser)

Gene: LRP2 (LDL receptor related protein 2; minus strand). Cytogenetic location: 2q31.1.
Variant type: single nucleotide variant.
Coding change: c.6256A>T on transcript NM_004525.3 (MANE Select); coding-DNA position 6256, A replaced by T.
Protein change: p.Thr2086Ser; replaces threonine 2086 with serine.
Molecular consequence: missense variant.
Genome position (GRCh38, 1-based): chr2:169,211,992, T>A on the plus strand (A>T on the coding strand, the complement: LRP2 is on the minus strand). VCF-style: chr2-169211992-T-A. GRCh37 (hg19) VCF-style: chr2-170068502-T-A.
Other names: short protein forms T2086S.
Identifiers: ClinVar variation 332149 (VCV000332149.66), dbSNP rs146149181, ClinGen allele CA1954338.